The following is an entry in ClinVar:

ClinVar aggregate classification (germline): Uncertain significance (1 of 4 stars; one submission).

Submission:

GeneDx
Classification: Uncertain significance. Last evaluated: 2024-10-23. Review status: criteria provided, single submitter. Criteria: GeneDx Variant Classification Process June 2021. Collection method: clinical testing. Allele origin: germline. Affected: yes.
Comment: Not observed at significant frequency in large population cohorts (gnomAD); In silico analysis supports that this missense variant has a deleterious effect on protein structure/function; Has not been previously published as pathogenic or benign to our knowledge

NM_001170535.3(ATAD3A):c.1407G>C (p.Glu469Asp)

Gene: ATAD3A (ATPase family AAA domain containing 3A; plus strand). Cytogenetic location: 1p36.33.
Variant type: single nucleotide variant.
Coding change: c.1407G>C on transcript NM_001170535.3 (MANE Select); coding-DNA position 1407, G replaced by C.
Protein change: p.Glu469Asp; replaces glutamic acid 469 with aspartic acid.
Molecular consequence: missense variant.
Genome position (GRCh38, 1-based): chr1:1,527,764, G>C. VCF-style: chr1-1527764-G-C. GRCh37 (hg19) VCF-style: chr1-1463144-G-C.
Other names: c.1170G>C, p.Glu390Asp (NM_001170536.3); c.1551G>C, p.Glu517Asp (NM_018188.5); short protein forms E390D, E469D, E517D.
Identifiers: ClinVar variation 3893383 (VCV003893383.1).